The following is an entry in ClinVar:

NM_198578.4(LRRK2):c.5827C>T (p.Arg1943Trp)

Gene: LRRK2 (leucine rich repeat kinase 2; plus strand). Cytogenetic location: 12q12.
Variant type: single nucleotide variant.
Coding change: c.5827C>T on transcript NM_198578.4 (MANE Select); coding-DNA position 5827, C replaced by T.
Protein change: p.Arg1943Trp; replaces arginine 1943 with tryptophan.
Molecular consequence: missense variant.
Genome position (GRCh38, 1-based): chr12:40,335,036, C>T. VCF-style: chr12-40335036-C-T. GRCh37 (hg19) VCF-style: chr12-40728838-C-T.
Other names: short protein forms R1943W.
Identifiers: ClinVar variation 950727 (VCV000950727.13), dbSNP rs756387719, ClinGen allele CA6514550.

ClinVar aggregate classification (germline): Uncertain significance. Review status: criteria provided, multiple submitters, no conflicts (2 of 4 stars). 4 submissions from 4 submitters: Uncertain significance (4). Last evaluated 2026-07-27.

Conditions:
Autosomal dominant Parkinson disease 8. Also called: LRRK2-Related Parkinson Disease; Parkinson disease 8; Parkinson disease 8, susceptibility to. Identifiers: Orphanet 411602, MedGen C1846862, MONDO:0011764, OMIM 607060.
LRRK2-related disorder. Also called: LRRK2-related condition.
Inborn genetic diseases. Identifiers: MedGen C0950123, MeSH D030342.

Allele frequency attached by ClinVar (database versions not stated): ExAC 0.00001; gnomAD exomes 0.00002; TOPMed 0.00002; gnomAD 0.00005.
gnomAD v4.1: 34 of 1,613,956 alleles (0.0021%); highest among the groups gnomAD compares: East Asian, 0.0089%; no homozygotes.

Submissions (4):

PreventionGenetics, part of Exact Sciences
Classification: Uncertain significance for LRRK2-related condition. Last evaluated: 2026-07-27. Review status: criteria provided, single submitter. Criteria: ACMG Guidelines, 2015. Collection method: clinical testing. Allele origin: germline.
Comment: The LRRK2 c.5827C>T variant is predicted to result in the amino acid substitution p.Arg1943Trp. This variant was reported in a patient with Levodopa‐Induced Ocular Dyskinesia (Olszewska et al. 2022. PubMed ID: 36989007). This variant is reported in 0.015% of alleles in individuals of East Asian descent in gnomAD. At this time, the clinical significance of this variant is uncertain due to the absence of conclusive functional and genetic evidence.

Ambry Genetics
Classification: Uncertain significance for Inborn genetic diseases. Last evaluated: 2023-08-26. Review status: criteria provided, single submitter. Criteria: Ambry Variant Classification Scheme 2023. Collection method: clinical testing. Allele origin: germline.
Comment: The p.R1943W variant (also known as c.5827C>T), located in coding exon 40 of the LRRK2 gene, results from a C to T substitution at nucleotide position 5827. The arginine at codon 1943 is replaced by tryptophan, an amino acid with dissimilar properties. This amino acid position is conserved. In addition, the in silico prediction for this alteration is inconclusive. Since supporting evidence is limited at this time, the clinical significance of this alteration remains unclear.

GeneDx
Classification: Uncertain significance. Last evaluated: 2023-07-26. Review status: criteria provided, single submitter. Criteria: GeneDx Variant Classification Process June 2021. Collection method: clinical testing. Allele origin: germline. Affected: yes.
Comment: Identified in a patient with Parkinson disease and florid ocular dyskinesia who also harbored a variant of uncertain significance in the GBA gene in published literature (Olszewska et al., 2022); In silico analysis supports that this missense variant has a deleterious effect on protein structure/function; This variant is associated with the following publications: (PMID: 36989007)

Labcorp Genetics (formerly Invitae), Labcorp
Classification: Uncertain significance for Autosomal dominant Parkinson disease 8. Last evaluated: 2022-10-17. Review status: criteria provided, single submitter. Criteria: Invitae Variant Classification Sherloc (09022015). Collection method: clinical testing. Allele origin: germline.
Comment: Advanced modeling of protein sequence and biophysical properties (such as structural, functional, and spatial information, amino acid conservation, physicochemical variation, residue mobility, and thermodynamic stability) has been performed at Invitae for this missense variant, however the output from this modeling did not meet the statistical confidence thresholds required to predict the impact of this variant on LRRK2 protein function. In summary, the available evidence is currently insufficient to determine the role of this variant in disease. Therefore, it has been classified as a Variant of Uncertain Significance. ClinVar contains an entry for this variant (Variation ID: 950727). This variant has not been reported in the literature in individuals affected with LRRK2-related conditions. The frequency data for this variant in the population databases is considered unreliable, as metrics indicate poor data quality at this position in the gnomAD database. This sequence change replaces arginine, which is basic and polar, with tryptophan, which is neutral and slightly polar, at codon 1943 of the LRRK2 protein (p.Arg1943Trp).